The following is an entry in ClinVar:

NM_001042492.3(NF1):c.5673del (p.Gln1891fs)

Gene: NF1 (neurofibromin 1; plus strand). Cytogenetic location: 17q11.2.
Variant type: Deletion.
Coding change: c.5673del on transcript NM_001042492.3 (MANE Select); coding-DNA position 5673, one base deleted (G; older notation c.5673delG).
Protein change: p.Gln1891fs; shifts the reading frame from glutamine 1891.
Molecular consequence: frameshift variant.
Genome position (GRCh38, 1-based): chr17:31,330,359, G deleted. VCF-style (leftmost placement, unchanged base first): chr17-31330358-AG-A. GRCh37 (hg19) VCF-style: chr17-29657376-AG-A.
Other names: c.5610del, p.Gln1870fs (NM_000267.4); short protein forms Q1870fs, Q1891fs.
Identifiers: ClinVar variation 4293274 (VCV004293274.1).

ClinVar aggregate classification (germline): Likely pathogenic (1 of 4 stars; one submission).

Conditions:
Neurofibromatosis, type 1 (NF1). Also called: VON RECKLINGHAUSEN DISEASE; Neurofibromatosis, type I; NEUROFIBROMATOSIS, TYPE I, SOMATIC; Peripheral type neurofibromatosis. Identifiers: Orphanet 636, MedGen C0027831, MONDO:0018975, OMIM 162200. Disease mechanism: loss of function.

Submission:

3billion
Classification: Likely pathogenic for Neurofibromatosis, type 1. Last evaluated: 2024-12-12. Review status: criteria provided, single submitter. Criteria: ACMG Guidelines, 2015. Collection method: clinical testing. Allele origin: germline. Affected: yes.
Comment: The variant is not observed in the gnomAD v4.1.0 dataset. Predicted Consequence/Location: Frameshift: predicted to result in a loss or disruption of normal protein function through nonsense-mediated decay (NMD) or protein truncation. Multiple pathogenic variants are reported downstream of the variant. Therefore, this variant is classified as Likely pathogenic according to the recommendation of ACMG/AMP guideline.